The following is an entry in ClinVar:

NM_002667.3:g.(?_118880085)_(118880244_?)dup

Gene: PLN (phospholamban; plus strand).
Variant type: Duplication.
Identifiers: ClinVar variation 3256714 (VCV003256714.1).

ClinVar aggregate classification (germline): Uncertain significance (1 of 4 stars; one submission).

Conditions:
Dilated cardiomyopathy 1P (CMD1P). Identifiers: Orphanet 154, MedGen C1835928, MONDO:0012362, OMIM 609909.

Submission:

Clinical Genomics Laboratory, Stanford Medicine
Classification: Uncertain significance for Dilated cardiomyopathy 1P. Last evaluated: 2021-08-30. Review status: criteria provided, single submitter. Criteria: ACMG Guidelines, 2015. Collection method: clinical testing. Allele origin: germline. Affected: yes. Observed: 1 heterozygote.
Comment: This duplication includes all coding exons of the PLN gene; however, the breakpoints of this duplication are unknown as they extend beyond the interrogated PLN region and therefore may encompass additional genes. Duplications of a similar region, which includes the entire coding region of the PLN gene, have been reported in 1 individual with LQTS and 1 individual with failure to thrive, developmental delay, and dilated cardiomyopathy (Lee et al., 2014; Singer et al., 2021). A duplication of a similar region, which includes the entire coding region of the PLN gene, has been identified in 1/7,624 European chromosomes from the Genome Aggregation Database; however, the ability to detect this type of copy number variant is limited. Overlapping duplications of this region of various sizes, including a partial or complete duplication of PLN are present in the Database of Genomic Variants (gssvG33073; gssvG33075). These data were assessed using the ACMG/ClinGen copy number variant interpretation guidelines. In summary, the significance of whole gene PLN duplication is uncertain. Additional information is needed to resolve the significance of this variant.